The following is an entry in ClinVar:

ClinVar aggregate classification (germline): Uncertain significance (1 of 4 stars; one submission).

Conditions:
Hereditary cancer-predisposing syndrome. Also called: Hereditary Cancer Syndrome; Hereditary neoplastic syndrome; Neoplastic Syndromes, Hereditary; Tumor predisposition. Identifiers: Orphanet 140162, MedGen C0027672, MeSH D009386, MONDO:0015356.

Submission:

Ambry Genetics
Classification: Uncertain significance for Hereditary cancer-predisposing syndrome. Last evaluated: 2017-09-26. Review status: criteria provided, single submitter. Criteria: Ambry Variant Classification Scheme 2023. Collection method: clinical testing. Allele origin: germline.
Comment: The p.Q201R variant (also known as c.602A>G), located in coding exon 3 of the FLCN gene, results from an A to G substitution at nucleotide position 602. The glutamine at codon 201 is replaced by arginine, an amino acid with highly similar properties. This amino acid position is highly conserved in available vertebrate species. In addition, this alteration is predicted to be deleterious by in silico analysis. Since supporting evidence is limited at this time, the clinical significance of this alteration remains unclear.

NM_144997.7(FLCN):c.602A>G (p.Gln201Arg)

Gene: FLCN (folliculin; minus strand). Cytogenetic location: 17p11.2.
Variant type: single nucleotide variant.
Coding change: c.602A>G on transcript NM_144997.7 (MANE Select); coding-DNA position 602, A replaced by G.
Protein change: p.Gln201Arg; replaces glutamine 201 with arginine.
Molecular consequence: missense variant.
Genome position (GRCh38, 1-based): chr17:17,223,938, T>C on the plus strand (A>G on the coding strand, the complement: FLCN is on the minus strand). VCF-style: chr17-17223938-T-C. GRCh37 (hg19) VCF-style: chr17-17127252-T-C.
Other names: c.656A>G, p.Gln219Arg (NM_001353229.2); c.602A>G, p.Gln201Arg (NM_001353230.2, NM_001353231.2, NM_144606.7); short protein forms Q201R, Q219R.
Identifiers: ClinVar variation 1751163 (VCV001751163.2), dbSNP rs2047171495, ClinGen allele CA398534201.
Genomic context (GRCh38, chr17:17,223,938, plus strand): 5'-GTGCAGGGCCCCCTGCCGCCCCGGCACCTCATCTCTGAATTCACCTTGAGCGCCTTGCCC[T>C]GGAGCTCATCGATGATTCCCCGGACCTTCCCCAGCAGGAAGGGCCAGGAGTTGATGAGGT-3'
Protein context (NP_659434.2, residues 191-211): GKVRGIIDEL[Gln201Arg]GKALKVFEAE